The following is an entry in ClinVar:

NM_020320.5(RARS2):c.365T>G (p.Leu122Arg)

Gene: RARS2 (arginyl-tRNA synthetase 2, mitochondrial; minus strand). Cytogenetic location: 6q15.
Variant type: single nucleotide variant.
Coding change: c.365T>G on transcript NM_020320.5 (MANE Select); coding-DNA position 365, T replaced by G.
Protein change: p.Leu122Arg; replaces leucine 122 with arginine.
Molecular consequence: missense variant. On other transcripts: 5 prime UTR variant (7), non-coding transcript variant (23).
Genome position (GRCh38, 1-based): chr6:87,555,438, A>C on the plus strand (T>G on the coding strand, the complement: RARS2 is on the minus strand). VCF-style: chr6-87555438-A-C. GRCh37 (hg19) VCF-style: chr6-88265156-A-C.
Other names: c.-105T>G (NM_001318785.2, NM_001350509.2); c.365T>G, p.Leu122Arg (NM_001350505.2); c.-161T>G (NM_001350506.2, NM_001350507.2, NM_001350510.2 and 1 more transcripts); c.-323T>G (NM_001350508.2); short protein forms L122R.
Identifiers: ClinVar variation 4746729 (VCV004746729.1).
Genomic context (GRCh38, chr6:87,555,438, plus strand): 5'-AAGCAACACATAAAAGGGGTGCACCCTCACCTGAATTCAACCACAATCTTCTTCTGGGGA[A>C]GTCCAGAGAAAAGTTCACTTTTTAATCCATATTTTGAGCCATCTTCAATTACTTGTTGTA-3'
Protein context (NP_064716.2, residues 112-132): YGLKSELFSG[Leu122Arg]PQKKIVVEFS

ClinVar aggregate classification (germline): Uncertain significance (1 of 4 stars; one submission).

Submission:

Labcorp Genetics (formerly Invitae), Labcorp
Classification: Uncertain significance. Last evaluated: 2025-08-23. Review status: criteria provided, single submitter. Criteria: Invitae Variant Classification Sherloc (09022015). Collection method: clinical testing. Allele origin: germline.
Comment: This sequence change replaces leucine, which is neutral and non-polar, with arginine, which is basic and polar, at codon 122 of the RARS2 protein (p.Leu122Arg). This variant is not present in population databases (gnomAD no frequency). This variant has not been reported in the literature in individuals affected with RARS2-related conditions. Invitae Evidence Modeling of protein sequence and biophysical properties (such as structural, functional, and spatial information, amino acid conservation, physicochemical variation, residue mobility, and thermodynamic stability) indicates that this missense variant is not expected to disrupt RARS2 protein function with a negative predictive value of 95%. In summary, the available evidence is currently insufficient to determine the role of this variant in disease. Therefore, it has been classified as a Variant of Uncertain Significance.